The following is an entry in ClinVar:

ClinVar aggregate classification (germline): Uncertain significance. Review status: criteria provided, multiple submitters, no conflicts (2 of 4 stars). 4 submissions from 4 submitters: Uncertain significance (4). Last evaluated 2022-05-21.

Conditions:
Maple syrup urine disease (MSUD). Identifiers: Orphanet 511, MedGen C0024776, MeSH D008375, MONDO:0009563. Disease mechanism: loss of function.

Allele frequency attached by ClinVar (database versions not stated): ESP Exome Variant Server 0.00015; ExAC 0.00002; gnomAD exomes 0.00002 and 0.00001; gnomAD 0.00005 and 0.00006; TOPMed 0.00007.
gnomAD v4.1: 27 of 1,612,638 alleles (0.0017%); highest among the groups gnomAD compares: African/African-American, 0.012%; no homozygotes.

Submissions (4):

Labcorp Genetics (formerly Invitae), Labcorp
Classification: Uncertain significance for Maple syrup urine disease. Last evaluated: 2022-05-21. Review status: criteria provided, single submitter. Criteria: Invitae Variant Classification Sherloc (09022015). Collection method: clinical testing. Allele origin: germline.
Comment: This sequence change replaces arginine, which is basic and polar, with histidine, which is basic and polar, at codon 376 of the DBT protein (p.Arg376His). This variant is present in population databases (rs150934375, gnomAD 0.02%). This variant has not been reported in the literature in individuals affected with DBT-related conditions. ClinVar contains an entry for this variant (Variation ID: 93982). Algorithms developed to predict the effect of missense changes on protein structure and function are either unavailable or do not agree on the potential impact of this missense change (SIFT: "Deleterious"; PolyPhen-2: "Probably Damaging"; Align-GVGD: "Class C0"). In summary, the available evidence is currently insufficient to determine the role of this variant in disease. Therefore, it has been classified as a Variant of Uncertain Significance.

Genome-Nilou Lab
Classification: Uncertain significance for Maple syrup urine disease type 1A. Last evaluated: 2021-11-07. Review status: criteria provided, single submitter. Criteria: ACMG Guidelines, 2015. Collection method: clinical testing. Allele origin: germline. Affected: no.

Illumina Laboratory Services, Illumina
Classification: Uncertain significance for Maple syrup urine disease type 1A. Last evaluated: 2018-01-13. Review status: criteria provided, single submitter. Criteria: ICSL Variant Classification Criteria 13 December 2019. Collection method: clinical testing. Allele origin: germline.

Eurofins Ntd Llc (ga)
Classification: Uncertain significance. Last evaluated: 2013-09-04. Review status: criteria provided, single submitter. Criteria: EGL Classification Definitions 2015. Collection method: clinical testing. Allele origin: germline. Observed: 1 variant allele, 1 heterozygote.

NM_001918.5(DBT):c.1127G>A (p.Arg376His)

Gene: DBT (dihydrolipoamide branched chain transacylase E2; minus strand). Cytogenetic location: 1p21.2.
Variant type: single nucleotide variant.
Coding change: c.1127G>A on transcript NM_001918.5 (MANE Select); coding-DNA position 1127, G replaced by A.
Protein change: p.Arg376His; replaces arginine 376 with histidine.
Molecular consequence: missense variant.
Genome position (GRCh38, 1-based): chr1:100,206,527, C>T on the plus strand (G>A on the coding strand, the complement: DBT is on the minus strand). VCF-style: chr1-100206527-C-T. GRCh37 (hg19) VCF-style: chr1-100672083-C-T.
Other names: short protein forms R376H.
Identifiers: ClinVar variation 93982 (VCV000093982.12), dbSNP rs150934375, ClinGen allele CA221868.